The following is an entry in ClinVar:

ClinVar aggregate classification (germline): Uncertain significance (1 of 4 stars; one submission).

Conditions:
Hyperaldosteronism, familial, type IV (HALD4). Also called: FH IV; ALDOSTERONISM, PRIMARY, AND HYPERTENSION. Identifiers: Orphanet 642671, MedGen C4310756, MONDO:0014875, OMIM 617027.
Idiopathic generalized epilepsy. Also called: Generalised epilepsy; EIG. Identifiers: MedGen C0270850, MONDO:0005579, OMIM 600669.

Submission:

Labcorp Genetics (formerly Invitae), Labcorp
Classification: Uncertain significance for Idiopathic generalized epilepsy; Hyperaldosteronism, familial, type IV. Last evaluated: 2023-12-06. Review status: criteria provided, single submitter. Criteria: Invitae Variant Classification Sherloc (09022015). Collection method: clinical testing. Allele origin: germline.
Comment: This sequence change replaces leucine, which is neutral and non-polar, with proline, which is neutral and non-polar, at codon 251 of the CACNA1H protein (p.Leu251Pro). This variant is not present in population databases (gnomAD no frequency). This variant has not been reported in the literature in individuals affected with CACNA1H-related conditions. ClinVar contains an entry for this variant (Variation ID: 2106942). Advanced modeling of protein sequence and biophysical properties (such as structural, functional, and spatial information, amino acid conservation, physicochemical variation, residue mobility, and thermodynamic stability) has been performed at Invitae for this missense variant, however the output from this modeling did not meet the statistical confidence thresholds required to predict the impact of this variant on CACNA1H protein function. In summary, the available evidence is currently insufficient to determine the role of this variant in disease. Therefore, it has been classified as a Variant of Uncertain Significance.

NM_021098.3(CACNA1H):c.752T>C (p.Leu251Pro)

Gene: CACNA1H (calcium voltage-gated channel subunit alpha1 H; plus strand). Cytogenetic location: 16p13.3.
Variant type: single nucleotide variant.
Coding change: c.752T>C on transcript NM_021098.3 (MANE Select); coding-DNA position 752, T replaced by C.
Protein change: p.Leu251Pro; replaces leucine 251 with proline.
Molecular consequence: missense variant.
Genome position (GRCh38, 1-based): chr16:1,198,723, T>C. VCF-style: chr16-1198723-T-C. GRCh37 (hg19) VCF-style: chr16-1248723-T-C.
Other names: c.752T>C, p.Leu251Pro (NM_001005407.2); short protein forms L251P.
Identifiers: ClinVar variation 2106942 (VCV002106942.4), dbSNP rs2548620588, ClinGen allele CA394155098.
Genomic context (GRCh38, chr16:1,198,723, plus strand): 5'-GGAACGTCCTTCTGCTGTGCTTCTTCGTCTTCTTCATTTTCGGCATCGTTGGCGTCCAGC[T>C]CTGGGCTGGCCTCCTGCGGAACCGCTGCTTCCTGGACAGTGCCTTTGTCAGGTGCCCAGG-3'
Protein context (NP_066921.2, residues 241-261): FFIFGIVGVQ[Leu251Pro]WAGLLRNRCF